The following is an entry in ClinVar:

ClinVar aggregate classification (germline): Uncertain significance (1 of 4 stars; one submission).

Allele frequency attached by ClinVar (database versions not stated): gnomAD 0.00001.
gnomAD v4.1: 1 of 1,614,074 alleles (0.000062%); highest among the groups gnomAD compares: East Asian, 0.0022%; no homozygotes.

Submission:

Labcorp Genetics (formerly Invitae), Labcorp
Classification: Uncertain significance. Last evaluated: 2023-02-01. Review status: criteria provided, single submitter. Criteria: Invitae Variant Classification Sherloc (09022015). Collection method: clinical testing. Allele origin: germline.
Comment: This sequence change replaces asparagine, which is neutral and polar, with aspartic acid, which is acidic and polar, at codon 597 of the FLNB protein (p.Asn597Asp). This variant is present in population databases (no rsID available, gnomAD 0.06%). This variant has not been reported in the literature in individuals affected with FLNB-related conditions. Advanced modeling of protein sequence and biophysical properties (such as structural, functional, and spatial information, amino acid conservation, physicochemical variation, residue mobility, and thermodynamic stability) performed at Invitae indicates that this missense variant is not expected to disrupt FLNB protein function. In summary, the available evidence is currently insufficient to determine the role of this variant in disease. Therefore, it has been classified as a Variant of Uncertain Significance.

NM_001457.4(FLNB):c.1789A>G (p.Asn597Asp)

Gene: FLNB (filamin B; plus strand). Cytogenetic location: 3p14.3.
Variant type: single nucleotide variant.
Coding change: c.1789A>G on transcript NM_001457.4 (MANE Select); coding-DNA position 1789, A replaced by G.
Protein change: p.Asn597Asp; replaces asparagine 597 with aspartic acid.
Molecular consequence: missense variant.
Genome position (GRCh38, 1-based): chr3:58,106,721, A>G. VCF-style: chr3-58106721-A-G. GRCh37 (hg19) VCF-style: chr3-58092448-A-G.
Other names: c.1789A>G, p.Asn597Asp (NM_001164317.2, NM_001164318.2, NM_001164319.2); short protein forms N597D.
Identifiers: ClinVar variation 2992489 (VCV002992489.3), dbSNP rs1425931717, ClinGen allele CA353340332.
Genomic context (GRCh38, chr3:58,106,721, plus strand): 5'-TTCCACCTCCACCCCCTAGGGTTTGCCATTGAAGGCCCCTCTCAGGCAAAGATTGAGTAC[A>G]ACGACCAGAATGATGGATCGTGTGATGTCAAATACTGGCCCAAGGAGCCTGGCGAATATG-3'
Protein context (NP_001448.2, residues 587-607): EGPSQAKIEY[Asn597Asp]DQNDGSCDVK